The following is an entry in ClinVar:

NM_001081.4(CUBN):c.963C>T (p.Pro321=)

Gene: CUBN (cubilin; minus strand). Cytogenetic location: 10p13.
Variant type: single nucleotide variant.
Coding change: c.963C>T on transcript NM_001081.4 (MANE Select); coding-DNA position 963, C replaced by T.
Protein change: p.Pro321=; no amino-acid change (proline 321 retained).
Molecular consequence: synonymous variant.
Genome position (GRCh38, 1-based): chr10:17,110,971, G>A on the plus strand (C>T on the coding strand, the complement: CUBN is on the minus strand). VCF-style: chr10-17110971-G-A. GRCh37 (hg19) VCF-style: chr10-17152970-G-A.
Identifiers: ClinVar variation 299532 (VCV000299532.18), dbSNP rs150309054, ClinGen allele CA5425459.

ClinVar aggregate classification (germline): Benign/Likely benign. Review status: criteria provided, multiple submitters, no conflicts (2 of 4 stars). 5 submissions from 5 submitters: Benign (3); Likely benign (2). Last evaluated 2026-02-01.

Conditions:
Imerslund-Grasbeck syndrome. Also called: Megaloblastic anemia due to inborn errors of metabolism; Imerslund-Gräsbeck syndrome; ENTEROCYTE COBALAMIN MALABSORPTION; ENTEROCYTE INTRINSIC FACTOR RECEPTOR, DEFECT OF; PERNICIOUS ANEMIA, JUVENILE, DUE TO SELECTIVE INTESTINAL MALABSORPTION OF VITAMIN B12, WITH PROTEINURIA. Identifiers: Orphanet 35858, MedGen C4551825, MONDO:0009853.
Imerslund-Grasbeck syndrome type 1 (IGS1). Also called: Megaloblastic anemia 1, Finnish type; MEGALOBLASTIC ANEMIA, 1; Imerslund-Gräsbeck syndrome 1. Identifiers: MedGen C4016819, MONDO:0100156, OMIM 261100.

Allele frequency attached by ClinVar (database versions not stated): ESP Exome Variant Server 0.00584; 1000 Genomes Project 0.00519; gnomAD 0.00575 and 0.00617; TOPMed 0.00631; 1000 Genomes Project 30x 0.00547.
gnomAD v4.1: 2,031 of 1,614,194 alleles (0.13%); highest among the groups gnomAD compares: African/African-American, 1.9%; 15 homozygotes.

Submissions (5):

Labcorp Genetics (formerly Invitae), Labcorp
Classification: Benign for Imerslund-Grasbeck syndrome. Last evaluated: 2026-02-01. Review status: criteria provided, single submitter. Criteria: Invitae Variant Classification Sherloc (09022015). Collection method: clinical testing. Allele origin: germline.

ARUP Laboratories, Molecular Genetics and Genomics, ARUP Laboratories
Classification: Benign. Last evaluated: 2023-08-10. Review status: criteria provided, single submitter. Criteria: ARUP Molecular Germline Variant Investigation Process 2024. Collection method: clinical testing. Allele origin: germline.

GeneDx
Classification: Likely benign. Last evaluated: 2020-11-25. Review status: criteria provided, single submitter. Criteria: GeneDx Variant Classification Process June 2021. Collection method: clinical testing. Allele origin: germline. Affected: yes.

Illumina Laboratory Services, Illumina
Classification: Benign for Imerslund-Grasbeck syndrome type 1. Last evaluated: 2018-01-12. Review status: criteria provided, single submitter. Criteria: ICSL Variant Classification Criteria 13 December 2019. Collection method: clinical testing. Allele origin: germline.
Comment: This variant was observed in the ICSL laboratory as part of a predisposition screen in an ostensibly healthy population. It had not been previously curated by ICSL or reported in the Human Gene Mutation Database (HGMD: prior to June 1st, 2018), and was therefore a candidate for classification through an automated scoring system. Utilizing variant allele frequency, disease prevalence and penetrance estimates, and inheritance mode, an automated score was calculated to assess if this variant is too frequent to cause the disease. Based on the score and internal cut-off values, a variant classified as benign is not then subjected to further curation. The score for this variant resulted in a classification of benign for this disease.

Breakthrough Genomics
Classification: Likely benign. Review status: criteria provided, single submitter. Criteria: ACMG Guidelines, 2015. Collection method: not provided. Allele origin: germline. Inheritance: Autosomal recessive inheritance. Affected: yes.